The following is an entry in ClinVar:

ClinVar aggregate classification (germline): Uncertain significance (1 of 4 stars; one submission).

Conditions:
Hereditary cancer-predisposing syndrome. Also called: Neoplastic Syndromes, Hereditary; Tumor predisposition; Hereditary Cancer Syndrome; Hereditary neoplastic syndrome. Identifiers: Orphanet 140162, MedGen C0027672, MeSH D009386, MONDO:0015356.

gnomAD v4.1: 1 of 1,614,126 alleles (0.000062%); highest among the groups gnomAD compares: Non-Finnish European, 0.000085%; no homozygotes.

Submission:

Ambry Genetics
Classification: Uncertain significance for Hereditary cancer-predisposing syndrome. Last evaluated: 2026-01-05. Review status: criteria provided, single submitter. Criteria: Ambry Variant Classification Scheme 2023. Collection method: clinical testing. Allele origin: germline.
Comment: The p.T909S variant (also known as c.2725A>T), located in coding exon 23 of the EGFR gene, results from an A to T substitution at nucleotide position 2725. The threonine at codon 909 is replaced by serine, an amino acid with similar properties. This amino acid position is highly conserved in available vertebrate species. In addition, the in silico prediction for this alteration is inconclusive. Based on the available evidence, the clinical significance of this variant remains unclear.

NM_005228.5(EGFR):c.2725A>T (p.Thr909Ser)

Gene: EGFR (epidermal growth factor receptor; plus strand). Cytogenetic location: 7p11.2.
Variant type: single nucleotide variant.
Coding change: c.2725A>T on transcript NM_005228.5 (MANE Select); coding-DNA position 2725, A replaced by T.
Protein change: p.Thr909Ser; replaces threonine 909 with serine.
Molecular consequence: missense variant.
Genome position (GRCh38, 1-based): chr7:55,198,740, A>T. VCF-style: chr7-55198740-A-T. GRCh37 (hg19) VCF-style: chr7-55266433-A-T.
Other names: c.2590A>T, p.Thr864Ser (NM_001346897.2, NM_001346899.2); c.2725A>T, p.Thr909Ser (NM_001346898.2); c.2566A>T, p.Thr856Ser (NM_001346900.2); c.1924A>T, p.Thr642Ser (NM_001346941.2); short protein forms T856S, T642S, T909S, T864S.
Identifiers: ClinVar variation 4842915 (VCV004842915.1).
Genomic context (GRCh38, chr7:55,198,740, plus strand): 5'-GATCCCACTGCCTTCTTTTCTTGCTTCATCCTCTCAGGGGTGACTGTTTGGGAGTTGATG[A>T]CCTTTGGATCCAAGCCATATGACGGAATCCCTGCCAGCGAGATCTCCTCCATCCTGGAGA-3'
Protein context (NP_005219.2, residues 899-919): SYGVTVWELM[Thr909Ser]FGSKPYDGIP